The following is an entry in ClinVar:

NM_000363.5(TNNI3):c.100C>A (p.His34Asn)

Gene: TNNI3 (troponin I3, cardiac type; minus strand). Cytogenetic location: 19q13.42.
Variant type: single nucleotide variant.
Coding change: c.100C>A on transcript NM_000363.5 (MANE Select); coding-DNA position 100, C replaced by A.
Protein change: p.His34Asn; replaces histidine 34 with asparagine.
Molecular consequence: missense variant.
Genome position (GRCh38, 1-based): chr19:55,157,058, G>T on the plus strand (C>A on the coding strand, the complement: TNNI3 is on the minus strand). VCF-style: chr19-55157058-G-T. GRCh37 (hg19) VCF-style: chr19-55668426-G-T.
Other names: short protein forms H34N.
Identifiers: ClinVar variation 3773775 (VCV003773775.1).

ClinVar aggregate classification (germline): Uncertain significance (1 of 4 stars; one submission).

Conditions:
Primary dilated cardiomyopathy (DCM). Also called: Dilated Cardiomyopathy. Identifiers: Orphanet 217604, MedGen C0007193, MeSH D002311, MONDO:0005021, HP:0001644. Inheritance: Various modes of inheritance.

Submission:

Molecular Genetics, Royal Melbourne Hospital
Classification: Uncertain significance for Primary dilated cardiomyopathy. Last evaluated: 2024-05-02. Review status: criteria provided, single submitter. Criteria: ACMG Guidelines, 2015. Collection method: clinical testing. Allele origin: germline. Inheritance: Autosomal dominant inheritance. Affected: yes.
Comment: This sequence change in TNNI3 is predicted to replace histidine with asparagine at codon 34, p.(His34Asn). The histidine residue is moderately conserved (100 vertebrates, Multiz Alignments), and is located in the TNC binding region in a region (amino acids 34-39) that is highly intolerant to missense variation. There is a moderate physicochemical difference between histidine and asparagine. This variant is absent from the population database gnomAD v2.1 and v3.1. To our knowledge, this variant is novel and has not been previously reported in the relevant scientific literature or databases. This variant does not segregate with dilated cardiomyopathy in a single family (Royal Melbourne Hospital). Computational evidence is uninformative for the missense substitution (REVEL = 0.377). Based on the classification scheme RMH Modified ACMG/AMP Guidelines v1.6.1, this variant is classified as a VARIANT OF UNCERTAIN SIGNIFICANCE. Following criteria are met: PM1_Supporting, PM2_Supporting.